The following is an entry in ClinVar:

NM_152713.5(STT3A):c.1722T>C (p.Asp574=)

Gene: STT3A (STT3 oligosaccharyltransferase complex catalytic subunit A; plus strand). Cytogenetic location: 11q24.2.
Variant type: single nucleotide variant.
Coding change: c.1722T>C on transcript NM_152713.5 (MANE Select); coding-DNA position 1722, T replaced by C.
Protein change: p.Asp574=; no amino-acid change (aspartic acid 574 retained).
Molecular consequence: synonymous variant.
Genome position (GRCh38, 1-based): chr11:125,614,374, T>C. VCF-style: chr11-125614374-T-C. GRCh37 (hg19) VCF-style: chr11-125484269-T-C.
Other names: p.Asp574=; c.1722T>C, p.Asp574= (NM_001278503.2); c.1446T>C, p.Asp482= (NM_001278504.2).
Identifiers: ClinVar variation 704778 (VCV000704778.25), dbSNP rs560550185, ClinGen allele CA6349136.

ClinVar aggregate classification (germline): Benign/Likely benign. Review status: criteria provided, multiple submitters, no conflicts (2 of 4 stars). 3 submissions from 3 submitters: Benign (2); Likely benign (1). Last evaluated 2026-07-01.

Allele frequency attached by ClinVar (database versions not stated): gnomAD below 0.00001 and 0.00033; TOPMed 0.00007; gnomAD exomes 0.00049 and 0.00099; ExAC 0.00111; 1000 Genomes Project 30x 0.00234; 1000 Genomes Project 0.00260.
gnomAD v4.1: 773 of 1,614,172 alleles (0.048%); highest among the groups gnomAD compares: South Asian, 0.78%; 14 homozygotes.

Submissions (3):

CeGaT Center for Human Genetics Tuebingen
Classification: Likely benign. Last evaluated: 2026-07-01. Review status: criteria provided, single submitter. Criteria: CeGaT Center For Human Genetics Tuebingen Variant Classification Criteria Version 2. Collection method: clinical testing. Allele origin: germline. Affected: yes. Observed: 3 variant alleles.
Comment: STT3A: BP4, BP7, BS2

Mayo Clinic Laboratories, Mayo Clinic
Classification: Benign. Last evaluated: 2025-08-27. Review status: criteria provided, single submitter. Criteria: ACMG Guidelines, 2015. Collection method: clinical testing. Allele origin: germline. Observed: 1 variant allele.
Comment: BA1, BP4, BP7

Labcorp Genetics (formerly Invitae), Labcorp
Classification: Benign. Last evaluated: 2023-05-22. Review status: criteria provided, single submitter. Criteria: Invitae Variant Classification Sherloc (09022015). Collection method: clinical testing. Allele origin: germline.